The following is an entry in ClinVar:

ClinVar aggregate classification (germline): Uncertain significance (1 of 4 stars; one submission).

gnomAD v4.1: 4 of 1,613,864 alleles (0.00025%); highest among the groups gnomAD compares: African/African-American, 0.0053%; no homozygotes.

Submission:

GeneDx
Classification: Uncertain significance. Last evaluated: 2024-06-11. Review status: criteria provided, single submitter. Criteria: GeneDx Variant Classification Process June 2021. Collection method: clinical testing. Allele origin: germline. Affected: yes.
Comment: Not observed at significant frequency in large population cohorts (gnomAD); In silico analysis supports that this missense variant has a deleterious effect on protein structure/function; Has not been previously published as pathogenic or benign to our knowledge

NM_001031679.3(MSRB3):c.395G>A (p.Gly132Asp)

Gene: MSRB3 (methionine sulfoxide reductase B3; plus strand). Cytogenetic location: 12q14.3.
Variant type: single nucleotide variant.
Coding change: c.395G>A on transcript NM_001031679.3 (MANE Select); coding-DNA position 395, G replaced by A.
Protein change: p.Gly132Asp; replaces glycine 132 with aspartic acid.
Molecular consequence: missense variant.
Genome position (GRCh38, 1-based): chr12:65,463,159, G>A. VCF-style: chr12-65463159-G-A. GRCh37 (hg19) VCF-style: chr12-65856939-G-A.
Other names: c.395G>A, p.Gly132Asp (NM_001193460.2, NM_001193461.2); c.416G>A, p.Gly139Asp (NM_198080.4); short protein forms G132D, G139D.
Identifiers: ClinVar variation 3390683 (VCV003390683.1).
Genomic context (GRCh38, chr12:65,463,159, plus strand): 5'-CTCTCAAAGCCTGCTTTGTACATGCTTTTCCCTGACGTTTTGTTCTTCTCTTTCAGTGTG[G>A]TGCTCACCTTGGGCACATTTTTGATGATGGGCCTCGTCCAACTGGGAAAAGATACTGCAT-3'
Protein context (NP_001026849.1, residues 122-142): HRVETSCSQC[Gly132Asp]AHLGHIFDDG